The following is an entry in ClinVar:

ClinVar aggregate classification (germline): Uncertain significance (1 of 4 stars; one submission).

Submission:

Women's Health and Genetics/Laboratory Corporation of America, LabCorp
Classification: Uncertain significance. Last evaluated: 2026-02-23. Review status: criteria provided, single submitter. Criteria: LabCorp Variant Classification Summary - May 2015. Collection method: clinical testing. Allele origin: germline.
Comment: Variant summary: HK1 c.2679dupT (p.Glu894X) results in a premature termination codon, predicted to cause a truncation of the encoded protein or absence of the protein due to nonsense mediated decay, however current evidence is not sufficient to establish loss of function as a mechanism for disease. The variant was absent in 251454 control chromosomes. The available data on variant occurrences in the general population are insufficient to allow any conclusion about variant significance. To our knowledge, no occurrence of c.2679dupT in individuals affected with HK1-related conditions and no experimental evidence demonstrating its impact on protein function have been reported. ClinVar contains an entry for this variant (Variation ID: 3366737). Based on the evidence outlined above, the variant was classified as uncertain significance.

NM_000188.3(HK1):c.2679dup (p.Glu894Ter)

Gene: HK1 (hexokinase 1; plus strand). Cytogenetic location: 10q22.1.
Variant type: Duplication.
Coding change: c.2679dup on transcript NM_000188.3 (MANE Select); coding-DNA position 2679, one base duplicated (T; older notation c.2679dupT).
Protein change: p.Glu894Ter; replaces glutamic acid 894 with a stop codon.
Molecular consequence: nonsense.
Genome position (GRCh38, 1-based): chr10:69,401,060, T duplicated. VCF-style (leftmost placement, unchanged base first): chr10-69401059-C-CT. GRCh37 (hg19) VCF-style: chr10-71160815-C-CT.
Other names: c.2691dup, p.Glu898Ter (NM_001322364.2, NM_001358263.1, NM_033497.3 and 1 more transcripts); c.2784dup, p.Glu929Ter (NM_001322365.2); c.2595dup, p.Glu866Ter (NM_001322366.1); c.2583dup, p.Glu862Ter (NM_001322367.1); c.2676dup, p.Glu893Ter (NM_033496.3); c.2643dup, p.Glu882Ter (NM_033500.2); c.2679dupT (NM_000188.3); short protein forms E862*, E866*, E882*, E893*, E894*, E898*, E929*.
Identifiers: ClinVar variation 3366737 (VCV003366737.2).